The following is an entry in ClinVar:

NM_000111.3(SLC26A3):c.1696C>T (p.Arg566Ter)

Gene: SLC26A3 (solute carrier family 26 member 3; minus strand). Cytogenetic location: 7q22.3.
Variant type: single nucleotide variant.
Coding change: c.1696C>T on transcript NM_000111.3 (MANE Select); coding-DNA position 1696, C replaced by T.
Protein change: p.Arg566Ter; replaces arginine 566 with a stop codon.
Molecular consequence: nonsense.
Genome position (GRCh38, 1-based): chr7:107,774,854, G>A on the plus strand (C>T on the coding strand, the complement: SLC26A3 is on the minus strand). VCF-style: chr7-107774854-G-A. GRCh37 (hg19) VCF-style: chr7-107415299-G-A.
Other names: short protein forms R566*.
Identifiers: ClinVar variation 802343 (VCV000802343.8), dbSNP rs1018933248, ClinGen allele CA164233728.

ClinVar aggregate classification (germline): Pathogenic/Likely pathogenic. Review status: criteria provided, multiple submitters, no conflicts (2 of 4 stars). 4 submissions from 4 submitters: Pathogenic (3); Likely pathogenic (1). Last evaluated 2026-06-12.

Conditions:
SLC26A3-related disorder. Also called: SLC26A3-related condition.
Congenital secretory diarrhea, chloride type (DIAR1). Also called: DIARRHEA 1, SECRETORY CHLORIDE, CONGENITAL; CHLORIDORRHEA, CONGENITAL; CHLORIDE DIARRHEA, CONGENITAL, FINNISH TYPE. Identifiers: Orphanet 53689, MedGen C0267662, MONDO:0008964, OMIM 214700.

Allele frequency attached by ClinVar (database versions not stated): gnomAD exomes below 0.00001; TOPMed 0.00001; gnomAD 0.00002.
gnomAD v4.1: 11 of 1,613,926 alleles (0.00068%); highest among the groups gnomAD compares: East Asian, 0.0045%; no homozygotes.

Submissions (4):

PreventionGenetics, part of Exact Sciences
Classification: Likely pathogenic for SLC26A3-related condition. Last evaluated: 2026-06-12. Review status: criteria provided, single submitter. Criteria: ACMG Guidelines, 2015. Collection method: clinical testing. Allele origin: germline.
Comment: The SLC26A3 c.1696C>T variant is predicted to result in premature protein termination (p.Arg566*). This variant was reported in the compound heterozygous state in an individual with neonatal onset watery diarrhea (Yan et al. 2021. PubMed ID: 34503561). This variant is reported in 0.00088% of alleles in individuals of European (Non-Finnish) descent in gnomAD. Nonsense variants in SLC26A3 are expected to be pathogenic. This variant is interpreted as likely pathogenic.

Labcorp Genetics (formerly Invitae), Labcorp
Classification: Pathogenic. Last evaluated: 2024-01-24. Review status: criteria provided, single submitter. Criteria: Invitae Variant Classification Sherloc (09022015). Collection method: clinical testing. Allele origin: germline.
Comment: This sequence change creates a premature translational stop signal (p.Arg566*) in the SLC26A3 gene. It is expected to result in an absent or disrupted protein product. Loss-of-function variants in SLC26A3 are known to be pathogenic (PMID: 9718329, 21394828). This variant is present in population databases (no rsID available, gnomAD 0.0009%). This premature translational stop signal has been observed in individual(s) with clinical features of congenital chloride diarrhea (PMID: 34503561). ClinVar contains an entry for this variant (Variation ID: 802343). Algorithms developed to predict the effect of sequence changes on RNA splicing suggest that this variant may disrupt the consensus splice site. For these reasons, this variant has been classified as Pathogenic.

GeneDx
Classification: Pathogenic. Last evaluated: 2023-04-07. Review status: criteria provided, single submitter. Criteria: GeneDx Variant Classification Process June 2021. Collection method: clinical testing. Allele origin: germline. Affected: yes.
Comment: Nonsense variant predicted to result in protein truncation or nonsense mediated decay in a gene for which loss of function is a known mechanism of disease; Not observed at significant frequency in large population cohorts (gnomAD); This variant is associated with the following publications: (PMID: 34503561)

Mendelics
Classification: Pathogenic for Congenital secretory diarrhea, chloride type. Last evaluated: 2019-05-28. Review status: criteria provided, single submitter. Criteria: Mendelics Assertion Criteria 2017. Collection method: clinical testing. Allele origin: unknown.

Literature cited by the submitters: PubMed 9718329 (cited by Labcorp Genetics (formerly Invitae), Labcorp); PubMed 21394828 (cited by Labcorp Genetics (formerly Invitae), Labcorp); PubMed 34503561 (cited by Labcorp Genetics (formerly Invitae), Labcorp).